The following is an entry in ClinVar:

ClinVar aggregate classification (germline): Pathogenic (1 of 4 stars; one submission).

gnomAD v4.1: 1 of 1,614,194 alleles (0.000062%); highest among the groups gnomAD compares: Non-Finnish European, 0.000085%; no homozygotes.

Submission:

Labcorp Genetics (formerly Invitae), Labcorp
Classification: Pathogenic. Last evaluated: 2025-02-14. Review status: criteria provided, single submitter. Criteria: Invitae Variant Classification Sherloc (09022015). Collection method: clinical testing. Allele origin: germline.
Comment: This sequence change replaces glycine, which is neutral and non-polar, with aspartic acid, which is acidic and polar, at codon 2680 of the COL7A1 protein (p.Gly2680Asp). This variant is not present in population databases (gnomAD no frequency). This missense change has been observed in individual(s) with autosomal dominant epidermolysis bullosa dystrophica (PMID: 21448560). Invitae Evidence Modeling of protein sequence and biophysical properties (such as structural, functional, and spatial information, amino acid conservation, physicochemical variation, residue mobility, and thermodynamic stability) indicates that this missense variant is expected to disrupt COL7A1 protein function with a positive predictive value of 95%. This variant disrupts the triple helix domain of COL7A1. Glycine residues within the Gly-Xaa-Yaa repeats of the triple helix domain are required for the structure and stability of fibrillar collagens (PMID: 7695699, 8218237, 19344236), and variants at these glycine residues in COL7A1 are more frequently observed in individuals with disease than in the general population (PMID: 22058051). However, the clinical significance of this observation remains uncertain since only a limited number of affected individuals have been described to date. This variant disrupts the p.Gly2680 amino acid residue in COL7A1. Other variant(s) that disrupt this residue have been determined to be pathogenic (PMID: 22266148, 29531004, 31634165). This suggests that this residue is clinically significant, and that variants that disrupt this residue are likely to be disease-causing. For these reasons, this variant has been classified as Pathogenic.

Literature cited by the submitters: PubMed 21448560; PubMed 7695699; PubMed 8218237; PubMed 19344236; PubMed 22058051; PubMed 22266148; PubMed 29531004; PubMed 31634165.

NM_000094.4(COL7A1):c.8039G>A (p.Gly2680Asp)

Gene: COL7A1 (collagen type VII alpha 1 chain; minus strand). Cytogenetic location: 3p21.31.
Variant type: single nucleotide variant.
Coding change: c.8039G>A on transcript NM_000094.4 (MANE Select); coding-DNA position 8039, G replaced by A.
Protein change: p.Gly2680Asp; replaces glycine 2680 with aspartic acid.
Molecular consequence: missense variant.
Genome position (GRCh38, 1-based): chr3:48,567,581, C>T on the plus strand (G>A on the coding strand, the complement: COL7A1 is on the minus strand). VCF-style: chr3-48567581-C-T. GRCh37 (hg19) VCF-style: chr3-48605014-C-T.
Other names: short protein forms G2680D.
Identifiers: ClinVar variation 3720497 (VCV003720497.2).